The following is an entry in ClinVar:

NM_001374623.1(PNPLA1):c.527C>T (p.Thr176Met)

Gene: PNPLA1 (patatin like domain 1, omega-hydroxyceramide transacylase; plus strand). Cytogenetic location: 6p21.31.
Variant type: single nucleotide variant.
Coding change: c.527C>T on transcript NM_001374623.1 (MANE Select); coding-DNA position 527, C replaced by T.
Protein change: p.Thr176Met; replaces threonine 176 with methionine.
Molecular consequence: missense variant.
Genome position (GRCh38, 1-based): chr6:36,294,212, C>T. VCF-style: chr6-36294212-C-T. GRCh37 (hg19) VCF-style: chr6-36261989-C-T.
Other names: c.269C>T, p.Thr90Met (NM_001145716.2); c.527C>T, p.Thr176Met (NM_001145717.1); c.242C>T, p.Thr81Met (NM_173676.2); short protein forms T176M, T81M, T90M.
Identifiers: ClinVar variation 2577346 (VCV002577346.1), dbSNP rs1462324532, ClinGen allele CA363813498.
Genomic context (GRCh38, chr6:36,294,212, plus strand): 5'-CTGGCCCCAAGTGGGCATTTCTCACTCTGCCCCCACAGAGGTACATCGATGGGGGCTTCA[C>T]GGGCATGCAGCCCTGTGCCTTCTGGACCGACGCCATCACCATCTCCACCTTCAGTGGGCA-3'
Protein context (NP_001361552.1, residues 166-186): RGVRYIDGGF[Thr176Met]GMQPCAFWTD

ClinVar aggregate classification (germline): Uncertain significance (1 of 4 stars; one submission).

Allele frequency attached by ClinVar (database versions not stated): TOPMed below 0.00001; gnomAD exomes 0.00001.
gnomAD v4.1: 9 of 1,614,160 alleles (0.00056%); highest among the groups gnomAD compares: East Asian, 0.0045%; no homozygotes.

Submission:

Women's Health and Genetics/Laboratory Corporation of America, LabCorp
Classification: Uncertain significance. Last evaluated: 2023-07-24. Review status: criteria provided, single submitter. Criteria: LabCorp Variant Classification Summary - May 2015. Collection method: clinical testing. Allele origin: germline.
Comment: Variant summary: PNPLA1 c.527C>T (p.Thr176Met) results in a non-conservative amino acid change located in the Patatin-like phospholipase domain (IPR002641) of the encoded protein sequence. Four of five in-silico tools predict a damaging effect of the variant on protein function. The variant allele was found at a frequency of 4e-06 in 250650 control chromosomes. c.527C>T has been reported in the literature in the compound heterozygous state in two siblings affected with autosomal recessive congenital ichthyosis (ARCI) with a cyclic disease course (Diociaiuti_2018). These data indicate that the variant may be associated with disease. To our knowledge, no experimental evidence demonstrating an impact on protein function has been reported. The following publication has been ascertained in the context of this evaluation (PMID: 28983987). No submitters have cited clinical-significance assessments for this variant to ClinVar after 2014. Based on the evidence outlined above, the variant was classified as VUS-possibly pathogenic.

Literature cited by the submitters: PubMed 28983987.